The following is an entry in ClinVar:

NM_001203.3(BMPR1B):c.508A>G (p.Ile170Val)

Gene: BMPR1B (bone morphogenetic protein receptor type 1B; plus strand). Cytogenetic location: 4q22.3.
Variant type: single nucleotide variant.
Coding change: c.508A>G on transcript NM_001203.3 (MANE Select); coding-DNA position 508, A replaced by G.
Protein change: p.Ile170Val; replaces isoleucine 170 with valine.
Molecular consequence: missense variant.
Genome position (GRCh38, 1-based): chr4:95,125,044, A>G. VCF-style: chr4-95125044-A-G. GRCh37 (hg19) VCF-style: chr4-96046195-A-G.
Other names: c.508A>G, p.Ile170Val (NM_001256792.2, NM_001256794.1); c.598A>G, p.Ile200Val (NM_001256793.2); short protein forms I170V, I200V.
Identifiers: ClinVar variation 1001619 (VCV001001619.10), dbSNP rs778170724, ClinGen allele CA3015009.

ClinVar aggregate classification (germline): Uncertain significance. Review status: criteria provided, multiple submitters, no conflicts (2 of 4 stars). 2 submissions from 2 submitters: Uncertain significance (2). Last evaluated 2022-06-09.

Conditions:
Acromesomelic dysplasia 3 (AMD3). Also called: Acromesomelic dysplasia, Demirhan type; CHONDRODYSPLASIA, ACROMESOMELIC, WITH OR WITHOUT GENITAL ANOMALIES. Identifiers: MedGen C4225404, MONDO:0012274, OMIM 609441.
Type A2 brachydactyly (BDA2). Also called: MOHR-WRIEDT TYPE BRACHYDACTYLY; BRACHYMESOPHALANGY II; Brachymesophalangy type 2. Identifiers: Orphanet 93396, MedGen C1832702, MONDO:0007216, OMIM 112600, HP:0009372.

Allele frequency attached by ClinVar (database versions not stated): TOPMed below 0.00001; gnomAD 0.00001; ExAC 0.00005.
gnomAD v4.1: 64 of 1,613,422 alleles (0.004%); highest among the groups gnomAD compares: South Asian, 0.016%; no homozygotes.

Submissions (2):

Blueprint Genetics
Classification: Uncertain significance. Last evaluated: 2022-06-09. Review status: criteria provided, single submitter. Criteria: ACMG Guidelines, 2015. Collection method: clinical testing. Allele origin: germline.

Labcorp Genetics (formerly Invitae), Labcorp
Classification: Uncertain significance for Type A2 brachydactyly; Acromesomelic dysplasia 3. Last evaluated: 2020-06-06. Review status: criteria provided, single submitter. Criteria: Invitae Variant Classification Sherloc (09022015). Collection method: clinical testing. Allele origin: germline.
Comment: This variant is present in population databases (rs778170724, ExAC 0.02%). In summary, the available evidence is currently insufficient to determine the role of this variant in disease. Therefore, it has been classified as a Variant of Uncertain Significance. Algorithms developed to predict the effect of missense changes on protein structure and function (SIFT, PolyPhen-2, Align-GVGD) all suggest that this variant is likely to be tolerated, but these predictions have not been confirmed by published functional studies and their clinical significance is uncertain. This variant has not been reported in the literature in individuals with BMPR1B-related conditions. This sequence change replaces isoleucine with valine at codon 170 of the BMPR1B protein (p.Ile170Val). The isoleucine residue is highly conserved and there is a small physicochemical difference between isoleucine and valine.